The following is an entry in ClinVar:

NM_001190274.2(FBXO11):c.235G>A (p.Asp79Asn)

Gene: FBXO11 (F-box protein 11; minus strand). Cytogenetic location: 2p16.3.
Variant type: single nucleotide variant.
Coding change: c.235G>A on transcript NM_001190274.2 (MANE Select); coding-DNA position 235, G replaced by A.
Protein change: p.Asp79Asn; replaces aspartic acid 79 with asparagine.
Molecular consequence: missense variant. On other transcripts: 5 prime UTR variant (2).
Genome position (GRCh38, 1-based): chr2:47,839,767, C>T on the plus strand (G>A on the coding strand, the complement: FBXO11 is on the minus strand). VCF-style: chr2-47839767-C-T. GRCh37 (hg19) VCF-style: chr2-48066906-C-T.
Other names: c.-18G>A (NM_001374325.1, NM_025133.4); short protein forms D79N.
Identifiers: ClinVar variation 4527240 (VCV004527240.1).

ClinVar aggregate classification (germline): Uncertain significance (1 of 4 stars; one submission).

Submission:

GeneDx
Classification: Uncertain significance. Last evaluated: 2025-04-21. Review status: criteria provided, single submitter. Criteria: GeneDx Variant Classification Process June 2021. Collection method: clinical testing. Allele origin: germline. Affected: yes.
Comment: Not observed at significant frequency in large population cohorts (gnomAD); In silico analysis indicates that this missense variant does not alter protein structure/function; Has not been previously published as pathogenic or benign to our knowledge